The following is an entry in ClinVar:

ClinVar aggregate classification (germline): Uncertain significance. Review status: criteria provided, multiple submitters, no conflicts (2 of 4 stars). 3 submissions from 3 submitters: Uncertain significance (3). Last evaluated 2025-07-24.

Conditions:
Hereditary cancer-predisposing syndrome. Also called: Hereditary neoplastic syndrome; Neoplastic Syndromes, Hereditary; Tumor predisposition; Hereditary Cancer Syndrome. Identifiers: Orphanet 140162, MedGen C0027672, MeSH D009386, MONDO:0015356.
Gorlin syndrome. Also called: Nevoid Basal Cell Carcinoma Syndrome; Basal cell nevus syndrome. Identifiers: Orphanet 377, MedGen C0004779, MONDO:0007187.
Basal cell carcinoma, susceptibility to, 1. Also called: BCC1. Identifiers: MedGen C2751544, MONDO:0011556, OMIM 605462.

Allele frequency attached by ClinVar (database versions not stated): gnomAD exomes below 0.00001; TOPMed 0.00001.
gnomAD v4.1: 5 of 1,614,134 alleles (0.00031%); highest among the groups gnomAD compares: Non-Finnish European, 0.00034%; no homozygotes.

Submissions (3):

Labcorp Genetics (formerly Invitae), Labcorp
Classification: Uncertain significance for Gorlin syndrome. Last evaluated: 2025-07-24. Review status: criteria provided, single submitter. Criteria: Invitae Variant Classification Sherloc (09022015). Collection method: clinical testing. Allele origin: germline.
Comment: This sequence change replaces arginine, which is basic and polar, with glutamine, which is neutral and polar, at codon 942 of the PTCH1 protein (p.Arg942Gln). This variant is not present in population databases (gnomAD no frequency). This variant has not been reported in the literature in individuals affected with PTCH1-related conditions. ClinVar contains an entry for this variant (Variation ID: 1045763). Invitae Evidence Modeling of protein sequence and biophysical properties (such as structural, functional, and spatial information, amino acid conservation, physicochemical variation, residue mobility, and thermodynamic stability) has been performed for this missense variant. However, the output from this modeling did not meet the statistical confidence thresholds required to predict the impact of this variant on PTCH1 protein function. In summary, the available evidence is currently insufficient to determine the role of this variant in disease. Therefore, it has been classified as a Variant of Uncertain Significance.

Ambry Genetics
Classification: Uncertain significance for Hereditary cancer-predisposing syndrome. Last evaluated: 2024-06-13. Review status: criteria provided, single submitter. Criteria: Ambry Variant Classification Scheme 2023. Collection method: clinical testing. Allele origin: germline.
Comment: The p.R942Q variant (also known as c.2825G>A), located in coding exon 17 of the PTCH1 gene, results from a G to A substitution at nucleotide position 2825. The arginine at codon 942 is replaced by glutamine, an amino acid with highly similar properties. This amino acid position is highly conserved in available vertebrate species. In addition, this alteration is predicted to be deleterious by in silico analysis. Based on the available evidence, the clinical significance of this variant remains unclear.

Baylor Genetics
Classification: Uncertain significance for Basal cell carcinoma, susceptibility to, 1. Last evaluated: 2023-07-26. Review status: criteria provided, single submitter. Criteria: ACMG Guidelines, 2015. Collection method: clinical testing. Allele origin: unknown.

NM_000264.5(PTCH1):c.2825G>A (p.Arg942Gln)

Gene: PTCH1 (patched 1; minus strand). Cytogenetic location: 9q22.32.
Variant type: single nucleotide variant.
Coding change: c.2825G>A on transcript NM_000264.5 (MANE Select); coding-DNA position 2825, G replaced by A.
Protein change: p.Arg942Gln; replaces arginine 942 with glutamine.
Molecular consequence: missense variant. On other transcripts: non-coding transcript variant (1).
Genome position (GRCh38, 1-based): chr9:95,459,662, C>T on the plus strand (G>A on the coding strand, the complement: PTCH1 is on the minus strand). VCF-style: chr9-95459662-C-T. GRCh37 (hg19) VCF-style: chr9-98221944-C-T.
Other names: c.2627G>A, p.Arg876Gln (NM_001083602.3); c.2822G>A, p.Arg941Gln (NM_001083603.3); c.2372G>A, p.Arg791Gln (NM_001083604.3, NM_001083605.3, NM_001083606.3 and 1 more transcripts); c.2669G>A, p.Arg890Gln (NM_001354918.2); short protein forms R876Q, R791Q, R942Q, R890Q, R941Q.
Identifiers: ClinVar variation 1045763 (VCV001045763.11), dbSNP rs767225445, ClinGen allele CA196576009.
Genomic context (GRCh38, chr9:95,459,662, plus strand): 5'-CTCAGCCTTGTTTCAGGCATGTAGTCGGCTTTGTCGTGGACCCATTCTGGTCGGTGTGGC[C>T]GGATGTTGGCCTGGGAGGCAGCATACGCGACGGGGTCGTTGCTGACCCAAGCCGTCAGGT-3'
Protein context (NP_000255.2, residues 932-952): VAYAASQANI[Arg942Gln]PHRPEWVHDK